The following is an entry in ClinVar:

NM_015443.4(KANSL1):c.2203+1G>A

Gene: KANSL1 (KAT8 regulatory NSL complex subunit 1). Cytogenetic location: 17q21.31.
Variant type: single nucleotide variant.
Coding change: c.2203+1G>A on transcript NM_015443.4 (MANE Select); the canonical splice donor site of the intron after coding-DNA position 2203, G replaced by A.
Molecular consequence: splice donor variant.
Genome position (GRCh38, 1-based): chr17:46,039,701, C>T on the plus strand (G>A on the coding strand, the complement: KANSL1 is on the minus strand). VCF-style: chr17-46039701-C-T. GRCh37 (hg19) VCF-style: chr17-44117067-C-T.
Other names: c.937+1G>A (NM_001405885.1, NM_001405884.1, NM_001405883.1 and 1 more transcripts); c.2101+1G>A (NM_001405881.1, NM_001405861.1, NM_001405859.1 and 1 more transcripts); c.2203+1G>A (NM_001405879.1, NM_001405875.1, NM_001193465.2 and 14 more transcripts).
Identifiers: ClinVar variation 205795 (VCV000205795.2), dbSNP rs796052595, ClinGen allele CA315218.

ClinVar aggregate classification (germline): Pathogenic (1 of 4 stars; one submission).

Submission:

GeneDx
Classification: Pathogenic. Last evaluated: 2014-01-27. Review status: criteria provided, single submitter. Criteria: GeneDx Variant Classification (06012015). Collection method: clinical testing. Allele origin: germline. Affected: yes.
Comment: This variant is denoted c.2203+1 G>A: IVS8+1 G>A in intron 8 of the KANSL1 gene (NM_001193466.1). The c.2203+1 G>A mutation in the KANSL1 gene has not been published as a mutation, nor has it been reported as a benign polymorphism to our knowledge. It was not observed in approximately 6,500 individuals of European and African American ancestry in the NHLBI Exome Sequencing Project, indicating it is not a common benign variant in these populations. The c.2203+1 G>A mutation destroys the canonical splice donor site in intron 8 and is expected to lead to abnormal gene splicing. This mutation is predicted to lead to either an abnormal message which is subject to nonsense-mediated mRNA decay or to an abnormal protein product if the message is used for protein translation. Therefore, the presence of c.2203+1 G>A is consistent with a diagnosis of a KANSL1-related disorder. The variant is found in INFANT-EPI panel(s).